The following is an entry in ClinVar:

ClinVar aggregate classification (germline): Pathogenic (1 of 4 stars; one submission).

Conditions:
Telangiectasia, hereditary hemorrhagic, type 2 (HHT2). Also called: ACVRL1-Related Hereditary Hemorrhagic Telangiectasia; Telangiectasia, hereditary hemorrhagic, type II. Identifiers: Orphanet 774, MedGen C1838163, MONDO:0010880, OMIM 600376. Disease mechanism: loss of function.

Submission:

Labcorp Genetics (formerly Invitae), Labcorp
Classification: Pathogenic for Telangiectasia, hereditary hemorrhagic, type 2. Last evaluated: 2024-06-18. Review status: criteria provided, single submitter. Criteria: Invitae Variant Classification Sherloc (09022015). Collection method: clinical testing. Allele origin: germline.
Comment: This sequence change creates a premature translational stop signal (p.Phe318Argfs*73) in the ACVRL1 gene. It is expected to result in an absent or disrupted protein product. Loss-of-function variants in ACVRL1 are known to be pathogenic (PMID: 15879500). This variant is not present in population databases (gnomAD no frequency). This variant has not been reported in the literature in individuals affected with ACVRL1-related conditions. For these reasons, this variant has been classified as Pathogenic.

Literature cited by the submitters: PubMed 15879500.

NM_000020.3(ACVRL1):c.951_952del (p.Phe318fs)

Gene: ACVRL1 (activin A receptor like type 1; plus strand). Cytogenetic location: 12q13.13.
Variant type: Deletion.
Coding change: c.951_952del on transcript NM_000020.3 (MANE Select); coding-DNA positions 951 to 952, 2 bases deleted (CT; older notation c.951_952delCT).
Protein change: p.Phe318fs; shifts the reading frame from phenylalanine 318.
Molecular consequence: frameshift variant.
Genome position (GRCh38, 1-based): chr12:51,915,403-51,915,404, CT deleted; deleting any 2 consecutive bases within chr12:51,915,402-51,915,404 gives the same sequence; the c. name uses the placement nearest the transcript's 3' end. VCF-style (leftmost placement, unchanged base first): chr12-51915401-ATC-A. GRCh37 (hg19) VCF-style: chr12-52309185-ATC-A.
Other names: c.951_952del, p.Phe318fs (NM_001077401.2, NM_001406487.1, NM_001406488.1 and 1 more transcripts); c.639_640del, p.Phe214fs (NM_001406490.1, NM_001406491.1, NM_001406492.1 and 2 more transcripts); c.387_388del, p.Phe130fs (NM_001406495.1); short protein forms F214fs, F318fs, F130fs.
Identifiers: ClinVar variation 3655121 (VCV003655121.2).